The following is an entry in ClinVar:

NM_001042492.3(NF1):c.2497T>C (p.Ser833Pro)

Gene: NF1 (neurofibromin 1; plus strand). Cytogenetic location: 17q11.2.
Variant type: single nucleotide variant.
Coding change: c.2497T>C on transcript NM_001042492.3 (MANE Select); coding-DNA position 2497, T replaced by C.
Protein change: p.Ser833Pro; replaces serine 833 with proline.
Molecular consequence: missense variant.
Genome position (GRCh38, 1-based): chr17:31,229,112, T>C. VCF-style: chr17-31229112-T-C. GRCh37 (hg19) VCF-style: chr17-29556130-T-C.
Other names: c.2497T>C, p.Ser833Pro (NM_000267.4); short protein forms S833P.
Identifiers: ClinVar variation 2677179 (VCV002677179.2), dbSNP rs2151428990, ClinGen allele CA398984087.

ClinVar aggregate classification (germline): Uncertain significance. Review status: criteria provided, multiple submitters, no conflicts (2 of 4 stars). 2 submissions from 2 submitters: Uncertain significance (2). Last evaluated 2025-06-19.

Conditions:
Juvenile myelomonocytic leukemia (JMML). Also called: LEUKEMIA, JUVENILE MYELOMONOCYTIC, SOMATIC. Identifiers: Orphanet 86834, MedGen C0349639, MONDO:0011908, OMIM 607785, HP:0012209.
Neurofibromatosis, type 1 (NF1). Also called: NEUROFIBROMATOSIS, TYPE I, SOMATIC; Peripheral type neurofibromatosis; VON RECKLINGHAUSEN DISEASE; Neurofibromatosis, type I. Identifiers: Orphanet 636, MedGen C0027831, MONDO:0018975, OMIM 162200. Disease mechanism: loss of function.

Submissions (2):

Labcorp Genetics (formerly Invitae), Labcorp
Classification: Uncertain significance for Neurofibromatosis, type 1. Last evaluated: 2025-06-19. Review status: criteria provided, single submitter. Criteria: Invitae Variant Classification Sherloc (09022015). Collection method: clinical testing. Allele origin: germline.
Comment: This sequence change replaces serine, which is neutral and polar, with proline, which is neutral and non-polar, at codon 833 of the NF1 protein (p.Ser833Pro). This variant is not present in population databases (gnomAD no frequency). This variant has not been reported in the literature in individuals affected with NF1-related conditions. ClinVar contains an entry for this variant (Variation ID: 2677179). Invitae Evidence Modeling of protein sequence and biophysical properties (such as structural, functional, and spatial information, amino acid conservation, physicochemical variation, residue mobility, and thermodynamic stability) indicates that this missense variant is not expected to disrupt NF1 protein function with a negative predictive value of 95%. In summary, the available evidence is currently insufficient to determine the role of this variant in disease. Therefore, it has been classified as a Variant of Uncertain Significance.

Baylor Genetics
Classification: Uncertain significance for Juvenile myelomonocytic leukemia. Last evaluated: 2023-10-04. Review status: criteria provided, single submitter. Criteria: ACMG Guidelines, 2015. Collection method: clinical testing. Allele origin: unknown.